The following is an entry in ClinVar:

ClinVar aggregate classification (germline): Likely benign (0 of 4 stars; one submission).

Conditions:
TENM1-related disorder. Also called: TENM1-related condition.

Allele frequency attached by ClinVar (database versions not stated): ExAC 0.00074; TOPMed 0.00100; gnomAD 0.00106; ESP Exome Variant Server 0.00123.
gnomAD v4.1: 2,367 of 1,184,845 alleles (0.2%); highest among the groups gnomAD compares: Non-Finnish European, 0.26%; 3 homozygotes.

Submission:

PreventionGenetics, part of Exact Sciences
Classification: Likely benign for TENM1-related condition. Last evaluated: 2019-02-21. Review status: no assertion criteria provided. Collection method: clinical testing. Allele origin: germline.
Comment: This variant is classified as likely benign based on ACMG/AMP sequence variant interpretation guidelines (Richards et al. 2015 PMID: 25741868, with internal and published modifications).

NM_001163278.2(TENM1):c.6077-7C>T

Gene: TENM1 (teneurin transmembrane protein 1; minus strand). Cytogenetic location: Xq25.
Variant type: single nucleotide variant.
Coding change: c.6077-7C>T on transcript NM_001163278.2 (MANE Select); 7 bases into the intron before coding-DNA position 6077, C replaced by T.
Molecular consequence: intron variant.
Genome position (GRCh38, 1-based): chrX:124,384,861, G>A on the plus strand (C>T on the coding strand, the complement: TENM1 is on the minus strand). VCF-style: chrX-124384861-G-A. GRCh37 (hg19) VCF-style: chrX-123518711-G-A.
Other names: c.6074-7C>T (NM_001163279.1); c.6056-7C>T (NM_014253.3).
Identifiers: ClinVar variation 3033356 (VCV003033356.2), dbSNP rs199890426, ClinGen allele CA10509535.